The following is an entry in ClinVar:

NM_000531.6(OTC):c.789C>T (p.Asp263=)

Gene: OTC (ornithine transcarbamylase; plus strand). Cytogenetic location: Xp11.4.
Variant type: single nucleotide variant.
Coding change: c.789C>T on transcript NM_000531.6 (MANE Select); coding-DNA position 789, C replaced by T.
Protein change: p.Asp263=; no amino-acid change (aspartic acid 263 retained).
Molecular consequence: synonymous variant.
Genome position (GRCh38, 1-based): chrX:38,408,947, C>T. VCF-style: chrX-38408947-C-T. GRCh37 (hg19) VCF-style: chrX-38268200-C-T.
Identifiers: ClinVar variation 1092499 (VCV001092499.10), dbSNP rs2147345156, ClinGen allele CA515642273.
Genomic context (GRCh38, chrX:38,408,947, plus strand): 5'-GCTGTTGCTGACAAATGATCCATTGGAAGCAGCGCATGGAGGCAATGTATTAATTACAGA[C>T]ACTTGGATAAGCATGGGACAAGAAGAGGAGAAGAAAAAGCGGCTCCAGGCTTTCCAAGGT-3'
Protein context (NP_000522.3, residues 253-273): AAHGGNVLIT[Asp263=]TWISMGQEEE

ClinVar aggregate classification (germline): Likely benign. Review status: criteria provided, multiple submitters, no conflicts (2 of 4 stars). 3 submissions from 3 submitters: Likely benign (3). Last evaluated 2024-02-05.

Conditions:
Ornithine carbamoyltransferase deficiency (OTCD). Also called: ORNITHINE TRANSCARBAMYLASE DEFICIENCY; ORNITHINE TRANSCARBAMYLASE DEFICIENCY, HYPERAMMONEMIA DUE TO; OTC DEFICIENCY; Ornithine Carbamoyltransferase Deficiency Disease. Identifiers: Orphanet 664, MedGen C0268542, MONDO:0010703, OMIM 311250.

Submissions (3):

All of Us Research Program, National Institutes of Health
Classification: Likely benign for Ornithine carbamoyltransferase deficiency. Last evaluated: 2024-02-05. Review status: criteria provided, single submitter. Criteria: ACMG Guidelines, 2015. Collection method: clinical testing. Allele origin: germline. Inheritance: X-linked inheritance. Observed: 1 variant allele, 1 heterozygote.
Comment: This study involves interpretation of variants in research participants for the purpose of population health screening. Participant phenotype was not available at the time of variant classification. Additional details can be found in publication PMID: 35346344, PMCID: PMC8962531

Color Diagnostics, LLC DBA Color Health
Classification: Likely benign for Ornithine carbamoyltransferase deficiency. Last evaluated: 2024-01-30. Review status: criteria provided, single submitter. Criteria: ACMG Guidelines, 2015. Collection method: clinical testing. Allele origin: germline.

Labcorp Genetics (formerly Invitae), Labcorp
Classification: Likely benign for Ornithine carbamoyltransferase deficiency. Last evaluated: 2021-08-06. Review status: criteria provided, single submitter. Criteria: Invitae Variant Classification Sherloc (09022015). Collection method: clinical testing. Allele origin: germline.